The following is an entry in ClinVar:

NM_001008537.3(NEXMIF):c.311G>C (p.Gly104Ala)

Gene: NEXMIF (neurite extension and migration factor; minus strand). Cytogenetic location: Xq13.3.
Variant type: single nucleotide variant.
Coding change: c.311G>C on transcript NM_001008537.3 (MANE Select); coding-DNA position 311, G replaced by C.
Protein change: p.Gly104Ala; replaces glycine 104 with alanine.
Molecular consequence: missense variant.
Genome position (GRCh38, 1-based): chrX:74,744,246, C>G on the plus strand (G>C on the coding strand, the complement: NEXMIF is on the minus strand). VCF-style: chrX-74744246-C-G. GRCh37 (hg19) VCF-style: chrX-73964081-C-G.
Other names: short protein forms G104A.
Identifiers: ClinVar variation 2127718 (VCV002127718.4), dbSNP rs2519916862, ClinGen allele CA413673869.

ClinVar aggregate classification (germline): Uncertain significance (1 of 4 stars; one submission).

Submission:

Labcorp Genetics (formerly Invitae), Labcorp
Classification: Uncertain significance. Last evaluated: 2023-11-27. Review status: criteria provided, single submitter. Criteria: Invitae Variant Classification Sherloc (09022015). Collection method: clinical testing. Allele origin: germline.
Comment: This sequence change replaces glycine, which is neutral and non-polar, with alanine, which is neutral and non-polar, at codon 104 of the NEXMIF protein (p.Gly104Ala). This variant is not present in population databases (gnomAD no frequency). This variant has not been reported in the literature in individuals affected with NEXMIF-related conditions. ClinVar contains an entry for this variant (Variation ID: 2127718). An algorithm developed to predict the effect of missense changes on protein structure and function (PolyPhen-2) suggests that this variant is likely to be disruptive. In summary, the available evidence is currently insufficient to determine the role of this variant in disease. Therefore, it has been classified as a Variant of Uncertain Significance.